The following is an entry in ClinVar:

ClinVar aggregate classification (germline): Uncertain significance (1 of 4 stars; one submission).

Conditions:
Telangiectasia, hereditary hemorrhagic, type 2 (HHT2). Also called: ACVRL1-Related Hereditary Hemorrhagic Telangiectasia; Telangiectasia, hereditary hemorrhagic, type II. Identifiers: Orphanet 774, MedGen C1838163, MONDO:0010880, OMIM 600376. Disease mechanism: loss of function.

Submission:

ARUP Laboratories, Molecular Genetics and Genomics, ARUP Laboratories
Classification: Uncertain significance for Telangiectasia, hereditary hemorrhagic, type 2. Last evaluated: 2023-02-23. Review status: criteria provided, single submitter. Criteria: ARUP Molecular Germline Variant Investigation Process 2024. Collection method: clinical testing. Allele origin: germline.
Comment: The ACVRL1 c.1378-297T>A variant, to our knowledge, is not reported in the medical literature or gene specific databases. This variant is absent from the Genome Aggregation Database, indicating it is not a common polymorphism. This is an intronic variant in ACVRL1 intron 9, and computational analyses (Alamut Visual Plus) predict that this variant may impact splicing by creating a novel cryptic acceptor splice site. Other cryptic splice sites in ACVRL1 intron 9 have been shown to alter splicing and are considered pathogenic (Wooderchak-Donahue 2018). Due to the lack of clinical and functional data, the clinical significance of the c.1378-297T>A variant is uncertain at this time. References: Wooderchak-Donahue WL et al. Genome sequencing reveals a deep intronic splicing ACVRL1 mutation hotspot in Hereditary Haemorrhagic Telangiectasia. J Med Genet. 2018 Dec;55(12):824-830. PMID: 30244195.

NM_000020.3(ACVRL1):c.1378-297T>A

Gene: ACVRL1 (activin A receptor like type 1; plus strand). Cytogenetic location: 12q13.13.
Variant type: single nucleotide variant.
Coding change: c.1378-297T>A on transcript NM_000020.3 (MANE Select); 297 bases into the intron before coding-DNA position 1378, T replaced by A.
Molecular consequence: intron variant.
Genome position (GRCh38, 1-based): chr12:51,920,462, T>A. VCF-style: chr12-51920462-T-A. GRCh37 (hg19) VCF-style: chr12-52314246-T-A.
Other names: c.1378-297T>A (NM_001406487.1, NM_001077401.2); c.1066-297T>A (NM_001406491.1, NM_001406492.1); c.1222-297T>A (NM_001406490.1); c.868-297T>A (NM_001406494.1); c.814-297T>A (NM_001406495.1).
Identifiers: ClinVar variation 2920874 (VCV002920874.1), dbSNP rs2540173687, ClinGen allele CA2739272041.